The following is an entry in ClinVar:

ClinVar aggregate classification (germline): Uncertain significance. Review status: criteria provided, single submitter (1 of 4 stars). 2 submissions from 2 submitters: Uncertain significance (1). 1 of the submissions does not count toward it. Last evaluated 2022-08-02.

Conditions:
Salla disease (SD). Also called: Sialuria, Finnish type; N-acetylneuraminic acid (NANA) storage disease (NSD); Infantile sialic acid storage disorder (ISSD); Less Severe FSASD (Salla Disease). Identifiers: Orphanet 309334, Orphanet 834, MedGen C1096903, MONDO:0011449, OMIM 604369.

Allele frequency attached by ClinVar (database versions not stated): TOPMed 0.00003; gnomAD exomes 0.00004; gnomAD 0.00005; ESP Exome Variant Server 0.00008.
gnomAD v4.1: 60 of 1,504,044 alleles (0.004%); highest among the groups gnomAD compares: Non-Finnish European, 0.0051%; no homozygotes.

Submissions (2):

Labcorp Genetics (formerly Invitae), Labcorp
Classification: Uncertain significance for Salla disease. Last evaluated: 2022-08-02. Review status: criteria provided, single submitter. Criteria: Invitae Variant Classification Sherloc (09022015). Collection method: clinical testing. Allele origin: germline.
Comment: This sequence change replaces glycine, which is neutral and non-polar, with glutamic acid, which is acidic and polar, at codon 237 of the SLC17A5 protein (p.Gly237Glu). This variant is present in population databases (rs374659214, gnomAD 0.006%). This missense change has been observed in individual(s) with SLC17A5-related conditions (PMID: 29140481). ClinVar contains an entry for this variant (Variation ID: 970208). Algorithms developed to predict the effect of missense changes on protein structure and function are either unavailable or do not agree on the potential impact of this missense change (SIFT: "Deleterious"; PolyPhen-2: "Probably Damaging"; Align-GVGD: "Class C0"). In summary, the available evidence is currently insufficient to determine the role of this variant in disease. Therefore, it has been classified as a Variant of Uncertain Significance.

Natera, Inc.
Classification: Uncertain significance for Salla disease. Last evaluated: 2021-02-09. Review status: no assertion criteria provided. Collection method: clinical testing. Allele origin: germline. Not counted in ClinVar's aggregate classification.

Literature cited by the submitters: PubMed 29140481 (cited by Labcorp Genetics (formerly Invitae), Labcorp).

NM_012434.5(SLC17A5):c.710G>A (p.Gly237Glu)

Gene: SLC17A5 (solute carrier family 17 member 5; minus strand). Cytogenetic location: 6q13.
Variant type: single nucleotide variant.
Coding change: c.710G>A on transcript NM_012434.5 (MANE Select); coding-DNA position 710, G replaced by A.
Protein change: p.Gly237Glu; replaces glycine 237 with glutamic acid.
Molecular consequence: missense variant.
Genome position (GRCh38, 1-based): chr6:73,635,491, C>T on the plus strand (G>A on the coding strand, the complement: SLC17A5 is on the minus strand). VCF-style: chr6-73635491-C-T. GRCh37 (hg19) VCF-style: chr6-74345214-C-T.
Other names: c.479G>A, p.Gly160Glu (NM_001382629.1); c.710G>A, p.Gly237Glu (NM_001382630.1, NM_001382633.1, NM_001382634.1); c.731G>A, p.Gly244Glu (NM_001382631.1); c.623G>A, p.Gly208Glu (NM_001382632.1); c.707G>A, p.Gly236Glu (NM_001382635.1); c.392G>A, p.Gly131Glu (NM_001382636.1); short protein forms G237E, G244E, G131E, G160E, G208E, G236E.
Identifiers: ClinVar variation 970208 (VCV000970208.7), dbSNP rs374659214, ClinGen allele CA3890448.
Genomic context (GRCh38, chr6:73,635,491, plus strand): 5'-CTCTTGTGTTTTTGTGGTGTGTCACTAACTAACCAGATCCACAAAAGAAACCAAAATATT[C>T]CAATAGTACCTTAAAATAGAAAAATAATAGTTAGATAAAATTAGAATGTACCAAATAACA-3'
Protein context (NP_036566.1, residues 227-247): TYVFYFFGTI[Gly237Glu]IFWFLLWIWL